The following is an entry in ClinVar:

ClinVar aggregate classification (germline): Likely benign (0 of 4 stars; one submission).

Conditions:
CNOT1-related disorder. Also called: CNOT1-related condition.

Submission:

PreventionGenetics, part of Exact Sciences
Classification: Likely benign for CNOT1-related condition. Last evaluated: 2019-10-21. Review status: no assertion criteria provided. Collection method: clinical testing. Allele origin: germline.
Comment: This variant is classified as likely benign based on ACMG/AMP sequence variant interpretation guidelines (Richards et al. 2015 PMID: 25741868, with internal and published modifications).

NM_016284.5(CNOT1):c.4434+194_4434+195dup

Gene: CNOT1 (CCR4-NOT transcription complex subunit 1; minus strand). Cytogenetic location: 16q21.
Variant type: Duplication.
Coding change: c.4434+194_4434+195dup on transcript NM_016284.5 (MANE Select); bases 194 to 195 of the intron after coding-DNA position 4434, 2 bases duplicated (TT; older notation c.4434+194_4434+195dupTT).
Molecular consequence: intron variant. On other transcripts: frameshift variant (1).
Genome position (GRCh38, 1-based): chr16:58,543,412-58,543,413, AA duplicated on the plus strand (TT on the coding strand, the reverse complement: CNOT1 is on the minus strand); duplicating any 2 consecutive bases within chr16:58,543,412-58,543,424 gives the same sequence; the c. name uses the placement nearest the transcript's 3' end. VCF-style (leftmost placement, unchanged base first): chr16-58543411-G-GAA. GRCh37 (hg19) VCF-style: chr16-58577315-G-GAA.
Other names: c.4628_4629dup, p.Leu1544fs (NM_206999.3); c.4419+194_4419+195dup (NM_001265612.2); short protein forms L1544fs.
Identifiers: ClinVar variation 3060733 (VCV003060733.2), dbSNP rs5817153, ClinGen allele CA8089139.